The following is an entry in ClinVar:

NM_000124.4(ERCC6):c.1339C>T (p.Arg447Trp)

Genes: ERCC6 (ERCC excision repair 6, chromatin remodeling factor; minus strand), PGBD3 (piggyBac transposable element derived 3; minus strand). Cytogenetic location: 10q11.23.
Variant type: single nucleotide variant.
Coding change: c.1339C>T on transcript NM_000124.4 (MANE Select); coding-DNA position 1339, C replaced by T.
Protein change: p.Arg447Trp; replaces arginine 447 with tryptophan.
Molecular consequence: missense variant. On other transcripts: 5 prime UTR variant (1).
Genome position (GRCh38, 1-based): chr10:49,524,091, G>A on the plus strand (C>T on the coding strand, the complement: ERCC6 is on the minus strand). VCF-style: chr10-49524091-G-A. GRCh37 (hg19) VCF-style: chr10-50732137-G-A.
Other names: p.Arg447Trp; c.1339C>T, p.Arg447Trp (NM_001277058.2, NM_001277059.2, NM_001346440.2); c.-66C>T (NM_170753.3); short protein forms R447W.
Identifiers: ClinVar variation 2198816 (VCV002198816.5), dbSNP rs200818896, ClinGen allele CA5496345.

ClinVar aggregate classification (germline): Uncertain significance. Review status: criteria provided, multiple submitters, no conflicts (2 of 4 stars). 3 submissions from 3 submitters: Uncertain significance (3). Last evaluated 2024-12-02.

Allele frequency attached by ClinVar (database versions not stated): ExAC 0.00008; gnomAD exomes 0.00012; 1000 Genomes Project 0.00020; gnomAD 0.00026; 1000 Genomes Project 30x 0.00031; TOPMed 0.00032.
gnomAD v4.1: 224 of 1,613,398 alleles (0.014%); highest among the groups gnomAD compares: Admixed American, 0.048%; 1 homozygote.

Submissions (3):

Labcorp Genetics (formerly Invitae), Labcorp
Classification: Uncertain significance. Last evaluated: 2024-12-02. Review status: criteria provided, single submitter. Criteria: Invitae Variant Classification Sherloc (09022015). Collection method: clinical testing. Allele origin: germline.
Comment: This sequence change replaces arginine, which is basic and polar, with tryptophan, which is neutral and slightly polar, at codon 447 of the ERCC6 protein (p.Arg447Trp). This variant is present in population databases (rs200818896, gnomAD 0.03%). This variant has not been reported in the literature in individuals affected with ERCC6-related conditions. ClinVar contains an entry for this variant (Variation ID: 2198816). Invitae Evidence Modeling of protein sequence and biophysical properties (such as structural, functional, and spatial information, amino acid conservation, physicochemical variation, residue mobility, and thermodynamic stability) indicates that this missense variant is not expected to disrupt ERCC6 protein function with a negative predictive value of 95%. In summary, the available evidence is currently insufficient to determine the role of this variant in disease. Therefore, it has been classified as a Variant of Uncertain Significance.

Women's Health and Genetics/Laboratory Corporation of America, LabCorp
Classification: Uncertain significance. Last evaluated: 2024-09-05. Review status: criteria provided, single submitter. Criteria: LabCorp Variant Classification Summary - May 2015. Collection method: clinical testing. Allele origin: germline.
Comment: Variant summary: ERCC6 c.1339C>T (p.Arg447Trp) results in a non-conservative amino acid change in the encoded protein sequence. Three of five in-silico tools predict a benign effect of the variant on protein function. The variant allele was found at a frequency of 0.00011 in 248700 control chromosomes. This frequency is not significantly higher than estimated for a pathogenic variant in ERCC6 causing Cockayne Syndrome (0.00011 vs 0.0016), allowing no conclusion about variant significance. To our knowledge, no occurrence of c.1339C>T in individuals affected with Cockayne Syndrome and no experimental evidence demonstrating its impact on protein function have been reported. ClinVar contains an entry for this variant (Variation ID: 2198816). Based on the evidence outlined above, the variant was classified as uncertain significance.

Mayo Clinic Laboratories, Mayo Clinic
Classification: Uncertain significance. Last evaluated: 2022-04-13. Review status: criteria provided, single submitter. Criteria: ACMG Guidelines, 2015. Collection method: clinical testing. Allele origin: germline. Observed: 1 variant allele.
Comment: BP4